The following is an entry in ClinVar:

NM_014270.5(SLC7A9):c.604+1G>A

Gene: SLC7A9 (solute carrier family 7 member 9; minus strand). Cytogenetic location: 19q13.11.
Variant type: single nucleotide variant.
Coding change: c.604+1G>A on transcript NM_014270.5 (MANE Select); the canonical splice donor site of the intron after coding-DNA position 604, G replaced by A.
Molecular consequence: splice donor variant.
Genome position (GRCh38, 1-based): chr19:32,862,460, C>T on the plus strand (G>A on the coding strand, the complement: SLC7A9 is on the minus strand). VCF-style: chr19-32862460-C-T. GRCh37 (hg19) VCF-style: chr19-33353366-C-T.
Other names: c.604+1G>A (NM_001126335.2, NM_001243036.2).
Identifiers: ClinVar variation 1404775 (VCV001404775.8), dbSNP rs1968829014, ClinGen allele CA405202706.

ClinVar aggregate classification (germline): Pathogenic. Review status: criteria provided, single submitter (1 of 4 stars). 2 submissions from 2 submitters: Pathogenic (1). 1 of the submissions does not count toward it. Last evaluated 2021-09-15.

Conditions:
Cystinuria (CSNU). Also called: CYSTINURIA, TYPE I; CYSTINURIA, TYPE II; CYSTINURIA, TYPE III; Cystinuria, non-type I. Identifiers: Orphanet 214, MedGen C0010691, MONDO:0009067, OMIM 220100, HP:0003131.

Allele frequency attached by ClinVar (database versions not stated): gnomAD exomes below 0.00001; TOPMed below 0.00001.

Submissions (2):

Labcorp Genetics (formerly Invitae), Labcorp
Classification: Pathogenic. Last evaluated: 2021-09-15. Review status: criteria provided, single submitter. Criteria: Invitae Variant Classification Sherloc (09022015). Collection method: clinical testing. Allele origin: germline.
Comment: This variant is not present in population databases (ExAC no frequency). This sequence change affects a donor splice site in intron 5 of the SLC7A9 gene. It is expected to disrupt RNA splicing. Variants that disrupt the donor or acceptor splice site typically lead to a loss of protein function (PMID: 16199547), and loss-of-function variants in SLC7A9 are known to be pathogenic (PMID: 11157794, 16838140, 25296721). Disruption of this splice site has been observed in individuals with cystinuria (PMID: 11157794, 28646536). Algorithms developed to predict the effect of sequence changes on RNA splicing suggest that this variant may disrupt the consensus splice site. For these reasons, this variant has been classified as Pathogenic.

Chinese Inherited Urolithiasis Consortium, The Affiliated Yantai Yuhuangding Hospital of Qingdao University
Classification: Pathogenic for Cystinuria. Last evaluated: 2024-08-26. Review status: no assertion criteria provided. Collection method: clinical testing. Allele origin: maternal, paternal. Affected: yes. Observed: 2 variant alleles. Not counted in ClinVar's aggregate classification.

Literature cited by the submitters: PubMed 16199547 (cited by Labcorp Genetics (formerly Invitae), Labcorp); PubMed 11157794 (cited by Labcorp Genetics (formerly Invitae), Labcorp); PubMed 16838140 (cited by Labcorp Genetics (formerly Invitae), Labcorp); PubMed 25296721 (cited by Labcorp Genetics (formerly Invitae), Labcorp); PubMed 28646536 (cited by Labcorp Genetics (formerly Invitae), Labcorp).